The following is an entry in ClinVar:

ClinVar aggregate classification (germline): Uncertain significance (1 of 4 stars; one submission).

Conditions:
Idiopathic generalized epilepsy. Also called: EIG; Generalised epilepsy. Identifiers: MedGen C0270850, MONDO:0005579, OMIM 600669.

Submission:

Labcorp Genetics (formerly Invitae), Labcorp
Classification: Uncertain significance for Idiopathic generalized epilepsy. Last evaluated: 2023-08-27. Review status: criteria provided, single submitter. Criteria: Invitae Variant Classification Sherloc (09022015). Collection method: clinical testing. Allele origin: germline.
Comment: In summary, the available evidence is currently insufficient to determine the role of this variant in disease. Therefore, it has been classified as a Variant of Uncertain Significance. Advanced modeling of protein sequence and biophysical properties (such as structural, functional, and spatial information, amino acid conservation, physicochemical variation, residue mobility, and thermodynamic stability) performed at Invitae indicates that this missense variant is expected to disrupt RBFOX3 protein function. This variant has not been reported in the literature in individuals affected with RBFOX3-related conditions. This variant is not present in population databases (gnomAD no frequency). This sequence change replaces arginine, which is basic and polar, with glycine, which is neutral and non-polar, at codon 153 of the RBFOX3 protein (p.Arg153Gly).

NM_001350451.2(RBFOX3):c.457C>G (p.Arg153Gly)

Gene: RBFOX3 (RNA binding fox-1 homolog 3; minus strand). Cytogenetic location: 17q25.3.
Variant type: single nucleotide variant.
Coding change: c.457C>G on transcript NM_001350451.2 (MANE Select); coding-DNA position 457, C replaced by G.
Protein change: p.Arg153Gly; replaces arginine 153 with glycine.
Molecular consequence: missense variant. On other transcripts: intron variant (2).
Genome position (GRCh38, 1-based): chr17:79,103,212, G>C on the plus strand (C>G on the coding strand, the complement: RBFOX3 is on the minus strand). VCF-style: chr17-79103212-G-C. GRCh37 (hg19) VCF-style: chr17-77099294-G-C.
Other names: c.457C>G, p.Arg153Gly (NM_001082575.3, NM_001350453.2, NM_001385804.1 and 34 more transcripts); c.454C>G, p.Arg152Gly (NM_001385806.1, NM_001385843.1, NM_001385844.1 and 4 more transcripts); c.414+861C>G (NM_001385824.1); c.361-1568C>G (NM_001385847.1); short protein forms R152G, R153G.
Identifiers: ClinVar variation 2755260 (VCV002755260.3), dbSNP rs2510223306, ClinGen allele CA401317016.